The following is an entry in ClinVar:

NM_000038.6(APC):c.800dup (p.Glu268fs)

Gene: APC (APC regulator of WNT signaling pathway; plus strand). Cytogenetic location: 5q22.2.
Variant type: Duplication.
Coding change: c.800dup on transcript NM_000038.6 (MANE Select); coding-DNA position 800, one base duplicated (G; older notation c.800dupG).
Protein change: p.Glu268fs; shifts the reading frame from glutamic acid 268.
Molecular consequence: frameshift variant. On other transcripts: 5 prime UTR variant (1).
Genome position (GRCh38, 1-based): chr5:112,801,349, G duplicated; the last of 3 consecutive G bases (chr5:112,801,347-112,801,349); duplicating any one gives the same sequence. VCF-style (leftmost placement, unchanged base first): chr5-112801346-T-TG. GRCh37 (hg19) VCF-style: chr5-112137043-T-TG.
Other names: c.746dup, p.Glu250fs (NM_001127511.3); c.800dup, p.Glu268fs (NM_001354895.2, NM_001354896.2, NM_001354903.2 and 1 more transcripts); c.830dup, p.Glu278fs (NM_001354897.2, NM_001354902.2); c.725dup, p.Glu243fs (NM_001354898.2, NM_001354904.2); c.716dup, p.Glu240fs (NM_001354899.2); c.623dup, p.Glu209fs (NM_001354900.2, NM_001354901.2, NM_001354905.2); c.-236dup (NM_001354906.2); short protein forms E209fs, E268fs, E278fs, E250fs, E240fs, E243fs.
Identifiers: ClinVar variation 280812 (VCV000280812.2), dbSNP rs863225372, ClinGen allele CA10602944.

ClinVar aggregate classification (germline): Likely pathogenic (1 of 4 stars; one submission).

Submission:

GeneDx
Classification: Likely pathogenic. Last evaluated: 2016-08-24. Review status: criteria provided, single submitter. Criteria: GeneDx Variant Classification (06012015). Collection method: clinical testing. Allele origin: germline. Affected: yes.
Comment: This duplication of one nucleotide in APC is denoted c.800dupG at the cDNA level and p.Glu268ArgfsX9 (E268RfsX9) at the protein level. The normal sequence, with the base that is duplicated in braces, is GTGG[G]AGAA. The duplication causes a frameshift which changes a Glutamic Acid to an Arginine at codon 268, and creates a premature stop codon at position 9 of the new reading frame. Although this variant has not, to our knowledge, been reported in the literature, it is predicted to cause loss of normal protein function through either protein truncation or nonsense-mediated mRNA decay. Based on the currently available evidence, we consider this duplication to be a likely pathogenic variant.